The following is an entry in ClinVar:

ClinVar aggregate classification (germline): Uncertain significance (1 of 4 stars; one submission).

Allele frequency attached by ClinVar (database versions not stated): TOPMed below 0.00001; ExAC 0.00001; gnomAD exomes 0.00001.
gnomAD v4.1: 4 of 1,613,642 alleles (0.00025%); highest among the groups gnomAD compares: Admixed American, 0.005%; no homozygotes.

Submission:

Labcorp Genetics (formerly Invitae), Labcorp
Classification: Uncertain significance. Last evaluated: 2024-11-19. Review status: criteria provided, single submitter. Criteria: Invitae Variant Classification Sherloc (09022015). Collection method: clinical testing. Allele origin: germline.
Comment: This sequence change replaces glutamine, which is neutral and polar, with arginine, which is basic and polar, at codon 634 of the TCF3 protein (p.Gln634Arg). This variant is present in population databases (rs766945088, gnomAD 0.009%). This variant has not been reported in the literature in individuals affected with TCF3-related conditions. ClinVar contains an entry for this variant (Variation ID: 2142947). Invitae Evidence Modeling of protein sequence and biophysical properties (such as structural, functional, and spatial information, amino acid conservation, physicochemical variation, residue mobility, and thermodynamic stability) indicates that this missense variant is not expected to disrupt TCF3 protein function with a negative predictive value of 80%. In summary, the available evidence is currently insufficient to determine the role of this variant in disease. Therefore, it has been classified as a Variant of Uncertain Significance.

NM_003200.5(TCF3):c.1901A>G (p.Gln634Arg)

Gene: TCF3 (transcription factor 3; minus strand). Cytogenetic location: 19p13.3.
Variant type: single nucleotide variant.
Coding change: c.1901A>G on transcript NM_003200.5 (MANE Select); coding-DNA position 1901, A replaced by G.
Protein change: p.Gln634Arg; replaces glutamine 634 with arginine.
Molecular consequence: missense variant.
Genome position (GRCh38, 1-based): chr19:1,611,771, T>C on the plus strand (A>G on the coding strand, the complement: TCF3 is on the minus strand). VCF-style: chr19-1611771-T-C. GRCh37 (hg19) VCF-style: chr19-1611770-T-C.
Other names: c.1892A>G, p.Gln631Arg (NM_001136139.4, NM_001351779.2); c.1898A>G, p.Gln633Arg (NM_001351778.2); short protein forms Q631R, Q634R, Q633R.
Identifiers: ClinVar variation 2142947 (VCV002142947.4), dbSNP rs766945088, ClinGen allele CA9049509.